The following is an entry in ClinVar:

NM_001042492.3(NF1):c.8377+4A>G

Gene: NF1 (neurofibromin 1; plus strand). Cytogenetic location: 17q11.2.
Variant type: single nucleotide variant.
Coding change: c.8377+4A>G on transcript NM_001042492.3 (MANE Select); 4 bases into the intron after coding-DNA position 8377, A replaced by G.
Molecular consequence: intron variant.
Genome position (GRCh38, 1-based): chr17:31,360,707, A>G. VCF-style: chr17-31360707-A-G. GRCh37 (hg19) VCF-style: chr17-29687725-A-G.
Other names: c.8314+4A>G (NM_000267.4).
Identifiers: ClinVar variation 822287 (VCV000822287.14), dbSNP rs1224454019, ClinGen allele CA625786006.

ClinVar aggregate classification (germline): Conflicting classifications of pathogenicity. Review status: criteria provided, conflicting classifications (1 of 4 stars). 4 submissions from 4 submitters: Uncertain significance (3); Likely benign (1). Last evaluated 2026-01-12.

Conditions:
Hereditary cancer-predisposing syndrome. Also called: Hereditary Cancer Syndrome; Neoplastic Syndromes, Hereditary; Hereditary neoplastic syndrome; Tumor predisposition. Identifiers: Orphanet 140162, MedGen C0027672, MeSH D009386, MONDO:0015356.
Cardiovascular phenotype. Identifiers: MedGen CN230736.
Neurofibromatosis-Noonan syndrome (NFNS). Also called: NEUROFIBROMATOSIS WITH NOONAN PHENOTYPE. Identifiers: Orphanet 638, MedGen C2931482, MONDO:0011035, OMIM 601321. Disease mechanism: loss of function.
Café-au-lait macules with pulmonary stenosis (WTSN). Also called: PULMONIC STENOSIS WITH CAFE-AU-LAIT SPOTS. Identifiers: MedGen C0553586, MONDO:0008672, OMIM 193520.
Neurofibromatosis, familial spinal (FSNF). Identifiers: Orphanet 636, MedGen C1834235, MONDO:0008078, OMIM 162210. Disease mechanism: loss of function.
Juvenile myelomonocytic leukemia (JMML). Also called: LEUKEMIA, JUVENILE MYELOMONOCYTIC, SOMATIC. Identifiers: Orphanet 86834, MedGen C0349639, MONDO:0011908, OMIM 607785, HP:0012209.
Neurofibromatosis, type 1 (NF1). Also called: Peripheral type neurofibromatosis; Neurofibromatosis, type I; NEUROFIBROMATOSIS, TYPE I, SOMATIC; VON RECKLINGHAUSEN DISEASE. Identifiers: Orphanet 636, MedGen C0027831, MONDO:0018975, OMIM 162200. Disease mechanism: loss of function.

Allele frequency attached by ClinVar (database versions not stated): gnomAD exomes below 0.00001; gnomAD 0.00001; TOPMed 0.00001.
gnomAD v4.1: 3 of 1,604,334 alleles (0.00019%); highest among the groups gnomAD compares: East Asian, 0.0067%; no homozygotes.

Submissions (4):

Labcorp Genetics (formerly Invitae), Labcorp
Classification: Likely benign for Neurofibromatosis, type 1. Last evaluated: 2026-01-12. Review status: criteria provided, single submitter. Criteria: Invitae Variant Classification Sherloc (09022015). Collection method: clinical testing. Allele origin: germline.

Ambry Genetics
Classification: Uncertain significance for Cardiovascular phenotype; Hereditary cancer-predisposing syndrome. Last evaluated: 2025-11-17. Review status: criteria provided, single submitter. Criteria: Ambry Variant Classification Scheme 2023. Collection method: clinical testing. Allele origin: germline.
Comment: The c.8314+4A>G intronic variant results from an A to G substitution 4 nucleotides after coding exon 56 in the NF1 gene. This nucleotide position is highly conserved in available vertebrate species. In silico splice site analysis for this alteration is inconclusive, and direct evidence is insufficient at this time (Ambry internal data). Based on the available evidence, the clinical significance of this variant remains unclear.

Fulgent Genetics
Classification: Uncertain significance for Neurofibromatosis, type 1; Neurofibromatosis, familial spinal; Café-au-lait macules with pulmonary stenosis; Neurofibromatosis-Noonan syndrome; Juvenile myelomonocytic leukemia. Last evaluated: 2024-05-25. Review status: criteria provided, single submitter. Criteria: ACMG Guidelines, 2015. Collection method: clinical testing. Allele origin: germline.

Genome-Nilou Lab
Classification: Uncertain significance for Neurofibromatosis, type 1. Last evaluated: 2022-03-15. Review status: criteria provided, single submitter. Criteria: ACMG Guidelines, 2015. Collection method: clinical testing. Allele origin: germline. Affected: no.